The following is an entry in ClinVar:

NM_194454.3(KRIT1):c.4G>A (p.Gly2Arg)

Gene: KRIT1 (KRIT1 ankyrin repeat containing; minus strand). Cytogenetic location: 7q21.2.
Variant type: single nucleotide variant.
Coding change: c.4G>A on transcript NM_194454.3 (MANE Select); coding-DNA position 4, G replaced by A.
Protein change: p.Gly2Arg; replaces glycine 2 with arginine.
Molecular consequence: missense variant. On other transcripts: 5 prime UTR variant (1).
Genome position (GRCh38, 1-based): chr7:92,242,132, C>T on the plus strand (G>A on the coding strand, the complement: KRIT1 is on the minus strand). VCF-style: chr7-92242132-C-T. GRCh37 (hg19) VCF-style: chr7-91871446-C-T.
Other names: c.4G>A, p.Gly2Arg (NM_001013406.2, NM_001350669.1, NM_001350670.1 and 29 more transcripts); c.-580G>A (NM_001350671.1); short protein forms G2R.
Identifiers: ClinVar variation 3865351 (VCV003865351.1).

ClinVar aggregate classification (germline): Uncertain significance (1 of 4 stars; one submission).

Conditions:
Inborn genetic diseases. Identifiers: MedGen C0950123, MeSH D030342.

Submission:

Ambry Genetics
Classification: Uncertain significance for Inborn genetic diseases. Last evaluated: 2025-03-14. Review status: criteria provided, single submitter. Criteria: Ambry Variant Classification Scheme 2023. Collection method: clinical testing. Allele origin: germline.
Comment: The p.G2R variant (also known as c.4G>A), located in coding exon 1 of the KRIT1 gene, results from a G to A substitution at nucleotide position 4. The glycine at codon 2 is replaced by arginine, an amino acid with dissimilar properties. This amino acid position is conserved. In addition, this alteration is predicted to be deleterious by in silico analysis. Based on the available evidence, the clinical significance of this variant remains unclear.